The following is an entry in ClinVar:

NM_002150.3(HPD):c.93+3A>G

Genes: HPD (4-hydroxyphenylpyruvate dioxygenase; minus strand), TIALD (transcript inducer of AURKA lysosomal degradation; plus strand). Cytogenetic location: 12q24.31.
Variant type: single nucleotide variant.
Coding change: c.93+3A>G on transcript NM_002150.3 (MANE Select); 3 bases into the intron after coding-DNA position 93, A replaced by G.
Molecular consequence: intron variant.
Genome position (GRCh38, 1-based): chr12:121,857,754, T>C on the plus strand (A>G on the coding strand, the complement: HPD is on the minus strand). VCF-style: chr12-121857754-T-C. GRCh37 (hg19) VCF-style: chr12-122295660-T-C.
Other names: c.-25+3A>G (NM_001171993.2).
Identifiers: ClinVar variation 1946526 (VCV001946526.2), dbSNP rs1273292762, ClinGen allele CA607927771.
Genomic context (GRCh38, chr12:121,857,754, plus strand): 5'-CCCTTGTCAGGCAGCCCTCTGCCCTGCCGTCTGCTCACTCCAGCACCTTGCCCCGGCTTC[T>C]ACCTGCTTGGCGTTGCCAACCCAGAAGGTCACAGAGTGGAAGTGGAGGAATCGGCCTCTC-3'

ClinVar aggregate classification (germline): Uncertain significance (1 of 4 stars; one submission).

Conditions:
Hawkinsinuria. Identifiers: Orphanet 2118, MedGen C2931042, MONDO:0007700, OMIM 140350, HP:0034457.
Tyrosinemia type III. Also called: 4-HYDROXYPHENYLPYRUVIC ACID OXIDASE DEFICIENCY; Tyrosinemia type 3; 4-alpha hydroxyphenylpyruvic acid oxidase deficiency; 4-alpha hydroxyphenylpyruvate dioxygenase deficiency; 4-Hydroxyphenylpyruvate dioxygenase deficiency. Identifiers: Orphanet 69723, MedGen C0268623, MONDO:0010162, OMIM 276710.

Allele frequency attached by ClinVar (database versions not stated): gnomAD exomes below 0.00001.
gnomAD v4.1: 1 of 1,613,584 alleles (0.000062%); highest among the groups gnomAD compares: Admixed American, 0.0017%; no homozygotes.

Submission:

Labcorp Genetics (formerly Invitae), Labcorp
Classification: Uncertain significance for Tyrosinemia type III; Hawkinsinuria. Last evaluated: 2022-08-12. Review status: criteria provided, single submitter. Criteria: Invitae Variant Classification Sherloc (09022015). Collection method: clinical testing. Allele origin: germline.
Comment: This sequence change falls in intron 3 of the HPD gene. It does not directly change the encoded amino acid sequence of the HPD protein. It affects a nucleotide within the consensus splice site. This variant is present in population databases (no rsID available, gnomAD 0.003%). This variant has not been reported in the literature in individuals affected with HPD-related conditions. Variants that disrupt the consensus splice site are a relatively common cause of aberrant splicing (PMID: 17576681, 9536098). Algorithms developed to predict the effect of sequence changes on RNA splicing suggest that this variant may disrupt the consensus splice site. In summary, the available evidence is currently insufficient to determine the role of this variant in disease. Therefore, it has been classified as a Variant of Uncertain Significance.

Literature cited by the submitters: PubMed 17576681; PubMed 9536098.